The following is an entry in ClinVar:

ClinVar aggregate classification (germline): Conflicting classifications of pathogenicity. Review status: criteria provided, conflicting classifications (1 of 4 stars). 3 submissions from 3 submitters: Uncertain significance (2); Likely benign (1). Last evaluated 2026-01-21.

Conditions:
Supravalvar aortic stenosis (SVAS). Also called: Supravalvar aortic stenosis, Eisenberg type. Identifiers: Orphanet 3193, MedGen C0003499, MONDO:0008504, OMIM 185500, HP:0004381.

Allele frequency attached by ClinVar (database versions not stated): gnomAD 0.00002 and 0.00001; gnomAD exomes 0.00003 and 0.00004; ExAC 0.00006; TOPMed 0.00001; 1000 Genomes Project 30x 0.00031; 1000 Genomes Project 0.00040.
gnomAD v4.1: 47 of 1,550,746 alleles (0.003%); highest among the groups gnomAD compares: East Asian, 0.0048%; no homozygotes.

Submissions (3):

Labcorp Genetics (formerly Invitae), Labcorp
Classification: Likely benign for Supravalvar aortic stenosis. Last evaluated: 2026-01-21. Review status: criteria provided, single submitter. Criteria: Invitae Variant Classification Sherloc (09022015). Collection method: clinical testing. Allele origin: germline.

GeneDx
Classification: Uncertain significance. Last evaluated: 2022-01-21. Review status: criteria provided, single submitter. Criteria: GeneDx Variant Classification Process June 2021. Collection method: clinical testing. Allele origin: germline. Affected: yes.
Comment: Has not been previously published as pathogenic or benign to our knowledge; In silico analysis supports that this missense variant does not alter protein structure/function; Reported in ClinVar as a variant of uncertain significance (ClinVar Variant ID#810102)

CeGaT Center for Human Genetics Tuebingen
Classification: Uncertain significance. Last evaluated: 2017-04-01. Review status: criteria provided, single submitter. Criteria: CeGaT Center For Human Genetics Tuebingen Variant Classification Criteria Version 2. Collection method: clinical testing. Allele origin: germline. Affected: yes. Observed: 1 variant allele.

NM_000501.4(ELN):c.1879G>A (p.Ala627Thr)

Gene: ELN (elastin; plus strand). Cytogenetic location: 7q11.23.
Variant type: single nucleotide variant.
Coding change: c.1879G>A on transcript NM_000501.4 (MANE Select); coding-DNA position 1879, G replaced by A.
Protein change: p.Ala627Thr; replaces alanine 627 with threonine.
Molecular consequence: missense variant.
Genome position (GRCh38, 1-based): chr7:74,063,330, G>A. VCF-style: chr7-74063330-G-A. GRCh37 (hg19) VCF-style: chr7-73477660-G-A.
Other names: c.1792G>A, p.Ala598Thr (NM_001081752.3); c.1837G>A, p.Ala613Thr (NM_001081753.3); c.1894G>A, p.Ala632Thr (NM_001081754.3); c.1822G>A, p.Ala608Thr (NM_001081755.3); c.1879G>A, p.Ala627Thr (NM_001278912.2); c.1636G>A, p.Ala546Thr (NM_001278913.2); c.1807G>A, p.Ala603Thr (NM_001278914.2); c.1897G>A, p.Ala633Thr (NM_001278915.2); and 4 more; short protein forms A538T, A608T, A617T, A627T, A632T, A546T, A633T, A689T.
Identifiers: ClinVar variation 810102 (VCV000810102.47), dbSNP rs552662894, ClinGen allele CA4293277.
Genomic context (GRCh38, chr7:74,063,330, plus strand): 5'-CAGTACAGAGTGCCTCCCTGAACTCGGTCTGTGTTCCCAGGAGCCGGACCCGCCGCCGCC[G>A]CTGCCGCAGCCAAAGCTGCTGCCAAAGCCGCCCAGTTTGGTGAGCACTGGGTGGAGGTGG-3'
Protein context (NP_000492.2, residues 617-637): GVVGAGPAAA[Ala627Thr]AAAKAAAKAA